The following is an entry in ClinVar:

ClinVar aggregate classification (germline): Uncertain significance (1 of 4 stars; one submission).

Allele frequency attached by ClinVar (database versions not stated): gnomAD 0.00001 and 0.00002; gnomAD exomes 0.00001 and 0.00002; TOPMed 0.00001.

Submission:

Labcorp Genetics (formerly Invitae), Labcorp
Classification: Uncertain significance. Last evaluated: 2022-08-09. Review status: criteria provided, single submitter. Criteria: Invitae Variant Classification Sherloc (09022015). Collection method: clinical testing. Allele origin: germline.
Comment: In summary, the available evidence is currently insufficient to determine the role of this variant in disease. Therefore, it has been classified as a Variant of Uncertain Significance. Algorithms developed to predict the effect of missense changes on protein structure and function (SIFT, PolyPhen-2, Align-GVGD) all suggest that this variant is likely to be tolerated. ClinVar contains an entry for this variant (Variation ID: 1349824). This variant has not been reported in the literature in individuals affected with CDC14A-related conditions. This variant is present in population databases (no rsID available, gnomAD 0.007%). This sequence change replaces arginine, which is basic and polar, with cysteine, which is neutral and slightly polar, at codon 400 of the CDC14A protein (p.Arg400Cys).

NM_003672.4(CDC14A):c.1198C>T (p.Arg400Cys)

Gene: CDC14A (cell division cycle 14A; plus strand). Cytogenetic location: 1p21.2.
Variant type: single nucleotide variant.
Coding change: c.1198C>T on transcript NM_003672.4 (MANE Select); coding-DNA position 1198, C replaced by T.
Protein change: p.Arg400Cys; replaces arginine 400 with cysteine.
Molecular consequence: missense variant.
Genome position (GRCh38, 1-based): chr1:100,494,878, C>T. VCF-style: chr1-100494878-C-T. GRCh37 (hg19) VCF-style: chr1-100960434-C-T.
Other names: c.1198C>T, p.Arg400Cys (NM_001319210.2, NM_033312.3); c.1024C>T, p.Arg342Cys (NM_001319211.2); c.319C>T, p.Arg107Cys (NM_001319212.2); short protein forms R342C, R107C, R400C.
Identifiers: ClinVar variation 1349824 (VCV001349824.6), dbSNP rs1326031095, ClinGen allele CA341355181.